The following is an entry in ClinVar:

NM_001267550.2(TTN):c.33060T>A (p.Tyr11020Ter)

Gene: TTN (titin; minus strand). Cytogenetic location: 2q31.2.
Variant type: single nucleotide variant.
Coding change: c.33060T>A on transcript NM_001267550.2 (MANE Select); coding-DNA position 33060, T replaced by A.
Protein change: p.Tyr11020Ter; replaces tyrosine 11020 with a stop codon.
Molecular consequence: nonsense. On other transcripts: intron variant (3).
Genome position (GRCh38, 1-based): chr2:178,682,731, A>T on the plus strand (T>A on the coding strand, the complement: TTN is on the minus strand). VCF-style: chr2-178682731-A-T. GRCh37 (hg19) VCF-style: chr2-179547458-A-T.
Other names: c.32109T>A, p.Tyr10703Ter (NM_001256850.1); c.29328T>A, p.Tyr9776Ter (NM_133378.4); c.13283-40414T>A (NM_003319.4); c.13859-40414T>A (NM_133437.4); c.13658-40414T>A (NM_133432.3); short protein forms Y11020*, Y10703*, Y9776*.
Identifiers: ClinVar variation 4784752 (VCV004784752.1).

ClinVar aggregate classification (germline): Likely pathogenic (1 of 4 stars; one submission).

Conditions:
Autosomal recessive limb-girdle muscular dystrophy type 2J (LGMDR10). Also called: Limb-girdle muscular dystrophy, type 2J; MUSCULAR DYSTROPHY, LIMB-GIRDLE, AUTOSOMAL RECESSIVE 10. Identifiers: Orphanet 140922, MedGen C1837342, MONDO:0012127, OMIM 608807.
Dilated cardiomyopathy 1G (CMD1G). Identifiers: Orphanet 154, MedGen C1858763, MONDO:0011400, OMIM 604145.

Submission:

Labcorp Genetics (formerly Invitae), Labcorp
Classification: Likely pathogenic for Dilated cardiomyopathy 1G; Autosomal recessive limb-girdle muscular dystrophy type 2J. Last evaluated: 2025-04-22. Review status: criteria provided, single submitter. Criteria: Invitae Variant Classification Sherloc (09022015). Collection method: clinical testing. Allele origin: germline.
Comment: This sequence change creates a premature translational stop signal (p.Tyr11020*) in the TTN gene. While this is not anticipated to result in nonsense mediated decay, it is expected to create a truncated TTN protein. This variant is not present in population databases (gnomAD no frequency). This variant has not been reported in the literature in individuals affected with TTN-related conditions. This variant is located in the I band of TTN (PMID: 25589632). Truncating variants in this region have been reported in individuals affected with autosomal recessive centronuclear myopathy (PMID: 23975875, internal data). Truncating variants in this region have also been identified in individuals affected with autosomal dominant dilated cardiomyopathy and/or cardio-related conditions (PMID: 27869827, 32964742, internal data). In summary, the currently available evidence indicates that the variant is pathogenic, but additional data are needed to prove that conclusively. Therefore, this variant has been classified as Likely Pathogenic.

Literature cited by the submitters: PubMed 25589632; PubMed 23975875; PubMed 27869827; PubMed 32964742.